The following is an entry in ClinVar:

NM_024334.3(TMEM43):c.1088C>A (p.Thr363Asn)

Gene: TMEM43 (transmembrane protein 43; plus strand). Cytogenetic location: 3p25.1.
Variant type: single nucleotide variant.
Coding change: c.1088C>A on transcript NM_024334.3 (MANE Select); coding-DNA position 1088, C replaced by A.
Protein change: p.Thr363Asn; replaces threonine 363 with asparagine.
Molecular consequence: missense variant.
Genome position (GRCh38, 1-based): chr3:14,141,680, C>A. VCF-style: chr3-14141680-C-A. GRCh37 (hg19) VCF-style: chr3-14183180-C-A.
Other names: c.1091C>A, p.Thr364Asn (NM_001407274.1); c.1085C>A, p.Thr362Asn (NM_001407275.1, NM_001407276.1); c.1082C>A, p.Thr361Asn (NM_001407277.1); c.1073C>A, p.Thr358Asn (NM_001407278.1); c.1013C>A, p.Thr338Asn (NM_001407279.1); c.938C>A, p.Thr313Asn (NM_001407280.1); short protein forms T361N, T362N, T363N, T364N, T338N, T313N, T358N.
Identifiers: ClinVar variation 3716575 (VCV003716575.2).
Genomic context (GRCh38, chr3:14,141,680, plus strand): 5'-TGGTCAACATTGGCCTGAAAGCCTTTGCCTTCTGTGTGGCCACCTCGCTGACCCTGCTGA[C>A]CGTGGCGGCTGGCTGGCTCTTCTACCGACCCCTGTGGGCCCTCCTCATTGCCGGCCTGGC-3'
Protein context (NP_077310.1, residues 353-373): FCVATSLTLL[Thr363Asn]VAAGWLFYRP

ClinVar aggregate classification (germline): Uncertain significance (1 of 4 stars; one submission).

Conditions:
Arrhythmogenic right ventricular dysplasia 5. Also called: Arrhythmogenic Right Ventricular Dysplasia/Cardiomyopathy 5; ARRHYTHMOGENIC RIGHT VENTRICULAR DYSPLASIA, FAMILIAL, 5. Identifiers: MedGen C1858379, MONDO:0011459, OMIM 604400.

Submission:

Labcorp Genetics (formerly Invitae), Labcorp
Classification: Uncertain significance for Arrhythmogenic right ventricular dysplasia 5. Last evaluated: 2024-11-24. Review status: criteria provided, single submitter. Criteria: Invitae Variant Classification Sherloc (09022015). Collection method: clinical testing. Allele origin: germline.
Comment: This sequence change replaces threonine, which is neutral and polar, with asparagine, which is neutral and polar, at codon 363 of the TMEM43 protein (p.Thr363Asn). This variant is not present in population databases (gnomAD no frequency). This variant has not been reported in the literature in individuals affected with TMEM43-related conditions. Invitae Evidence Modeling of protein sequence and biophysical properties (such as structural, functional, and spatial information, amino acid conservation, physicochemical variation, residue mobility, and thermodynamic stability) indicates that this missense variant is expected to disrupt TMEM43 protein function with a positive predictive value of 80%. In summary, the available evidence is currently insufficient to determine the role of this variant in disease. Therefore, it has been classified as a Variant of Uncertain Significance.